The following is an entry in ClinVar:

ClinVar aggregate classification (germline): Uncertain significance. Review status: criteria provided, multiple submitters, no conflicts (2 of 4 stars). 2 submissions from 2 submitters: Uncertain significance (2). Last evaluated 2025-03-20.

Allele frequency attached by ClinVar (database versions not stated): gnomAD exomes below 0.00001; gnomAD 0.00001; TOPMed 0.00001.

Submissions (2):

Ambry Genetics
Classification: Uncertain significance. Last evaluated: 2025-03-20. Review status: criteria provided, single submitter. Criteria: Ambry Variant Classification Scheme 2023. Collection method: clinical testing. Allele origin: germline.

Labcorp Genetics (formerly Invitae), Labcorp
Classification: Uncertain significance. Last evaluated: 2021-12-28. Review status: criteria provided, single submitter. Criteria: Invitae Variant Classification Sherloc (09022015). Collection method: clinical testing. Allele origin: germline.
Comment: In summary, the available evidence is currently insufficient to determine the role of this variant in disease. Therefore, it has been classified as a Variant of Uncertain Significance. Algorithms developed to predict the effect of missense changes on protein structure and function are either unavailable or do not agree on the potential impact of this missense change (SIFT: "Deleterious"; PolyPhen-2: "Probably Damaging"; Align-GVGD: "Class C0"). This variant has not been reported in the literature in individuals affected with SLCO5A1-related conditions. This variant is not present in population databases (gnomAD no frequency). This sequence change replaces serine, which is neutral and polar, with leucine, which is neutral and non-polar, at codon 230 of the SLCO5A1 protein (p.Ser230Leu).

NM_030958.3(SLCO5A1):c.689C>T (p.Ser230Leu)

Gene: SLCO5A1 (solute carrier organic anion transporter family member 5A1; minus strand). Cytogenetic location: 8q13.3.
Variant type: single nucleotide variant.
Coding change: c.689C>T on transcript NM_030958.3 (MANE Select); coding-DNA position 689, C replaced by T.
Protein change: p.Ser230Leu; replaces serine 230 with leucine.
Molecular consequence: missense variant.
Genome position (GRCh38, 1-based): chr8:69,831,985, G>A on the plus strand (C>T on the coding strand, the complement: SLCO5A1 is on the minus strand). VCF-style: chr8-69831985-G-A. GRCh37 (hg19) VCF-style: chr8-70744220-G-A.
Other names: c.689C>T (NM_030958.2); c.689C>T, p.Ser230Leu (NM_001146008.2, NM_001146009.1); short protein forms S230L.
Identifiers: ClinVar variation 2414945 (VCV002414945.7), dbSNP rs1036408724, ClinGen allele CA178881329.